The following is an entry in ClinVar:

ClinVar aggregate classification (germline): Uncertain significance (1 of 4 stars; one submission).

gnomAD v4.1: 4 of 1,614,018 alleles (0.00025%); highest among the groups gnomAD compares: Non-Finnish European, 0.00017%; no homozygotes.

Submission:

GeneDx
Classification: Uncertain significance. Last evaluated: 2022-11-30. Review status: criteria provided, single submitter. Criteria: GeneDx Variant Classification Process June 2021. Collection method: clinical testing. Allele origin: germline. Affected: yes.
Comment: Not observed at significant frequency in large population cohorts (gnomAD); In silico analysis supports that this missense variant has a deleterious effect on protein structure/function; Has not been previously published as pathogenic or benign to our knowledge

NM_000163.5(GHR):c.1220G>A (p.Gly407Asp)

Gene: GHR (growth hormone receptor; plus strand). Cytogenetic location: 5p12.
Variant type: single nucleotide variant.
Coding change: c.1220G>A on transcript NM_000163.5 (MANE Select); coding-DNA position 1220, G replaced by A.
Protein change: p.Gly407Asp; replaces glycine 407 with aspartic acid.
Molecular consequence: missense variant. On other transcripts: 3 prime UTR variant (1).
Genome position (GRCh38, 1-based): chr5:42,718,727, G>A. VCF-style: chr5-42718727-G-A. GRCh37 (hg19) VCF-style: chr5-42718829-G-A.
Other names: c.1241G>A, p.Gly414Asp (NM_001242399.2); c.1220G>A, p.Gly407Asp (NM_001242400.2, NM_001242401.4, NM_001242402.2 and 4 more transcripts); c.1154G>A, p.Gly385Asp (NM_001242460.2); c.*262G>A (NM_001242462.1); short protein forms G385D, G407D, G414D.
Identifiers: ClinVar variation 2504259 (VCV002504259.1), dbSNP rs1758856195, ClinGen allele CA359629742.